The following is an entry in ClinVar:

ClinVar aggregate classification (germline): Uncertain significance. Review status: criteria provided, multiple submitters, no conflicts (2 of 4 stars). 2 submissions from 2 submitters: Uncertain significance (2). Last evaluated 2025-02-13.

Conditions:
Inborn genetic diseases. Identifiers: MedGen C0950123, MeSH D030342.

Allele frequency attached by ClinVar (database versions not stated): gnomAD 0.00001; gnomAD exomes below 0.00001; TOPMed below 0.00001; ExAC 0.00001.
gnomAD v4.1: 1 of 1,613,258 alleles (0.000062%); highest among the groups gnomAD compares: Non-Finnish European, 0.000085%; no homozygotes.

Submissions (2):

Ambry Genetics
Classification: Uncertain significance for Inborn genetic diseases. Last evaluated: 2025-02-13. Review status: criteria provided, single submitter. Criteria: Ambry Variant Classification Scheme 2023. Collection method: clinical testing. Allele origin: germline.

Labcorp Genetics (formerly Invitae), Labcorp
Classification: Uncertain significance. Last evaluated: 2021-09-01. Review status: criteria provided, single submitter. Criteria: Invitae Variant Classification Sherloc (09022015). Collection method: clinical testing. Allele origin: germline.
Comment: This sequence change replaces threonine with isoleucine at codon 1077 of the MYO7A protein (p.Thr1077Ile). The threonine residue is highly conserved and there is a moderate physicochemical difference between threonine and isoleucine. This variant is present in population databases (rs782289247, ExAC 0.01%). This variant has not been reported in the literature in individuals affected with MYO7A-related conditions. Algorithms developed to predict the effect of missense changes on protein structure and function are either unavailable or do not agree on the potential impact of this missense change (SIFT: "Deleterious"; PolyPhen-2: "Probably Damaging"; Align-GVGD: "Class C0"). In summary, the available evidence is currently insufficient to determine the role of this variant in disease. Therefore, it has been classified as a Variant of Uncertain Significance.

NM_000260.4(MYO7A):c.3230C>T (p.Thr1077Ile)

Gene: MYO7A (myosin VIIA; plus strand). Cytogenetic location: 11q13.5.
Variant type: single nucleotide variant.
Coding change: c.3230C>T on transcript NM_000260.4 (MANE Select); coding-DNA position 3230, C replaced by T.
Protein change: p.Thr1077Ile; replaces threonine 1077 with isoleucine.
Molecular consequence: missense variant.
Genome position (GRCh38, 1-based): chr11:77,182,545, C>T. VCF-style: chr11-77182545-C-T. GRCh37 (hg19) VCF-style: chr11-76893590-C-T.
Other names: c.3230C>T, p.Thr1077Ile (NM_001127180.2); c.3197C>T, p.Thr1066Ile (NM_001369365.1); c.3230C>T (NM_000260.3); short protein forms T1066I, T1077I.
Identifiers: ClinVar variation 1435503 (VCV001435503.6), dbSNP rs782289247, ClinGen allele CA6198011.